The following is an entry in ClinVar:

ClinVar aggregate classification (germline): Benign/Likely benign. Review status: criteria provided, multiple submitters, no conflicts (2 of 4 stars). 3 submissions from 3 submitters: Benign (2); Likely benign (1). Last evaluated 2026-01-17.

Conditions:
Palmoplantar keratoderma-esophageal carcinoma syndrome (TOC). Also called: KERATOSIS PALMARIS ET PLANTARIS WITH ESOPHAGEAL CANCER; PALMOPLANTAR KERATODERMA WITH ESOPHAGEAL CANCER; Tylosis with Esophageal Cancer. Identifiers: Orphanet 2198, MedGen C1835664, MONDO:0007856, OMIM 148500.

Allele frequency attached by ClinVar (database versions not stated): gnomAD exomes 0.00113 and 0.00297; ExAC 0.00360; gnomAD 0.01143 and 0.01225; ESP Exome Variant Server 0.01307; TOPMed 0.01336; 1000 Genomes Project 0.01398; 1000 Genomes Project 30x 0.01562.
gnomAD v4.1: 3,479 of 1,613,964 alleles (0.22%); highest among the groups gnomAD compares: African/African-American, 4%; 76 homozygotes.

Submissions (3):

Labcorp Genetics (formerly Invitae), Labcorp
Classification: Benign. Last evaluated: 2026-01-17. Review status: criteria provided, single submitter. Criteria: Invitae Variant Classification Sherloc (09022015). Collection method: clinical testing. Allele origin: germline.

KCCC/NGS Laboratory, Kuwait Cancer Control Center
Classification: Likely benign for Palmoplantar keratoderma-esophageal carcinoma syndrome. Last evaluated: 2023-07-07. Review status: criteria provided, single submitter. Criteria: ACMG Guidelines, 2015. Collection method: clinical testing. Allele origin: germline. Affected: yes.

Illumina Laboratory Services, Illumina
Classification: Benign for Palmoplantar keratoderma-esophageal carcinoma syndrome. Last evaluated: 2018-01-12. Review status: criteria provided, single submitter. Criteria: ICSL Variant Classification Criteria 13 December 2019. Collection method: clinical testing. Allele origin: germline.
Comment: This variant was observed in the ICSL laboratory as part of a predisposition screen in an ostensibly healthy population. It had not been previously curated by ICSL or reported in the Human Gene Mutation Database (HGMD: prior to June 1st, 2018), and was therefore a candidate for classification through an automated scoring system. Utilizing variant allele frequency, disease prevalence and penetrance estimates, and inheritance mode, an automated score was calculated to assess if this variant is too frequent to cause the disease. Based on the score and internal cut-off values, a variant classified as benign is not then subjected to further curation. The score for this variant resulted in a classification of benign for this disease.

NM_001005498.4(RHBDF2):c.1638+12T>C

Gene: RHBDF2 (rhomboid 5 homolog 2; minus strand). Cytogenetic location: 17q25.1.
Variant type: single nucleotide variant.
Coding change: c.1638+12T>C on transcript NM_001005498.4 (MANE Select); 12 bases into the intron after coding-DNA position 1638, T replaced by C.
Molecular consequence: intron variant.
Genome position (GRCh38, 1-based): chr17:76,473,827, A>G on the plus strand (T>C on the coding strand, the complement: RHBDF2 is on the minus strand). VCF-style: chr17-76473827-A-G. GRCh37 (hg19) VCF-style: chr17-74469909-A-G.
Other names: c.1725+12T>C (NM_024599.5); c.1638+12T>C (NM_001376230.1, NM_001376228.1, NM_001376229.1).
Identifiers: ClinVar variation 325432 (VCV000325432.10), dbSNP rs114994065, ClinGen allele CA8786920.